The following is an entry in ClinVar:

NM_021072.4(HCN1):c.1883A>C (p.His628Pro)

Gene: HCN1 (hyperpolarization activated cyclic nucleotide gated potassium channel 1; minus strand). Cytogenetic location: 5p12.
Variant type: single nucleotide variant.
Coding change: c.1883A>C on transcript NM_021072.4 (MANE Select); coding-DNA position 1883, A replaced by C.
Protein change: p.His628Pro; replaces histidine 628 with proline.
Molecular consequence: missense variant.
Genome position (GRCh38, 1-based): chr5:45,262,711, T>G on the plus strand (A>C on the coding strand, the complement: HCN1 is on the minus strand). VCF-style: chr5-45262711-T-G. GRCh37 (hg19) VCF-style: chr5-45262813-T-G.
Other names: short protein forms H628P.
Identifiers: ClinVar variation 2841931 (VCV002841931.3), dbSNP rs2478183237, ClinGen allele CA359704503.

ClinVar aggregate classification (germline): Uncertain significance (1 of 4 stars; one submission).

Conditions:
Early-infantile DEE. Also called: Early infantile epileptic encephalopathy; Early infantile epileptic encephalopathy with suppression bursts; Ohtahara syndrome. Identifiers: Orphanet 1934, MedGen C0393706, MONDO:0800491.

Submission:

Labcorp Genetics (formerly Invitae), Labcorp
Classification: Uncertain significance for Early-infantile DEE. Last evaluated: 2023-07-18. Review status: criteria provided, single submitter. Criteria: Invitae Variant Classification Sherloc (09022015). Collection method: clinical testing. Allele origin: germline.
Comment: This sequence change replaces histidine, which is basic and polar, with proline, which is neutral and non-polar, at codon 628 of the HCN1 protein (p.His628Pro). This variant is not present in population databases (gnomAD no frequency). This variant has not been reported in the literature in individuals affected with HCN1-related conditions. Advanced modeling of protein sequence and biophysical properties (such as structural, functional, and spatial information, amino acid conservation, physicochemical variation, residue mobility, and thermodynamic stability) performed at Invitae indicates that this missense variant is not expected to disrupt HCN1 protein function. In summary, the available evidence is currently insufficient to determine the role of this variant in disease. Therefore, it has been classified as a Variant of Uncertain Significance.